The following is an entry in ClinVar:

NM_001366683.2(DOCK9):c.2232G>C (p.Thr744=)

Gene: DOCK9 (dedicator of cytokinesis 9; minus strand). Cytogenetic location: 13q32.3.
Variant type: single nucleotide variant.
Coding change: c.2232G>C on transcript NM_001366683.2 (MANE Select); coding-DNA position 2232, G replaced by C.
Protein change: p.Thr744=; no amino-acid change (threonine 744 retained).
Molecular consequence: synonymous variant.
Genome position (GRCh38, 1-based): chr13:98,885,736, C>G on the plus strand (G>C on the coding strand, the complement: DOCK9 is on the minus strand). VCF-style: chr13-98885736-C-G. GRCh37 (hg19) VCF-style: chr13-99537990-C-G.
Other names: c.2232G>C, p.Thr744= (NM_001130048.2, NM_001130050.2, NM_001366679.2 and 4 more transcripts); c.2235G>C, p.Thr745= (NM_001130049.2, NM_001318849.2, NM_015296.3); c.2268G>C, p.Thr756= (NM_001366676.2, NM_001366677.2, NM_001366678.2).
Identifiers: ClinVar variation 2643887 (VCV002643887.24), dbSNP rs146038138, ClinGen allele CA7029859.

ClinVar aggregate classification (germline): Likely benign (1 of 4 stars; one submission).

Allele frequency attached by ClinVar (database versions not stated): ESP Exome Variant Server 0.00133; 1000 Genomes Project 30x 0.00297; 1000 Genomes Project 0.00319.
gnomAD v4.1: 3,889 of 1,611,524 alleles (0.24%); highest among the groups gnomAD compares: South Asian, 0.8%; 14 homozygotes.

Submission:

CeGaT Center for Human Genetics Tuebingen
Classification: Likely benign. Last evaluated: 2022-06-01. Review status: criteria provided, single submitter. Criteria: CeGaT Center For Human Genetics Tuebingen Variant Classification Criteria Version 2. Collection method: clinical testing. Allele origin: germline. Affected: yes. Observed: 1 variant allele.
Comment: DOCK9: BP4, BP7